The following is an entry in ClinVar:

ClinVar aggregate classification (germline): Likely benign. Review status: criteria provided, single submitter (1 of 4 stars). 2 submissions from 2 submitters: Likely benign (1). 1 of the submissions does not count toward it. Last evaluated 2024-11-25.

Conditions:
CD70-related disorder. Also called: CD70-related condition.

Allele frequency attached by ClinVar (database versions not stated): TOPMed 0.00007; gnomAD 0.00011; 1000 Genomes Project 0.00040; 1000 Genomes Project 30x 0.00047.
gnomAD v4.1: 281 of 1,611,676 alleles (0.017%); highest among the groups gnomAD compares: South Asian, 0.27%; 5 homozygotes.

Submissions (2):

Blueprint Genetics
Classification: Likely benign. Last evaluated: 2024-11-25. Review status: criteria provided, single submitter. Criteria: ACMG Guidelines, 2015. Collection method: clinical testing. Allele origin: germline.

PreventionGenetics, part of Exact Sciences
Classification: Likely benign for CD70-related condition. Last evaluated: 2019-06-27. Review status: no assertion criteria provided. Collection method: clinical testing. Allele origin: germline. Not counted in ClinVar's aggregate classification.
Comment: This variant is classified as likely benign based on ACMG/AMP sequence variant interpretation guidelines (Richards et al. 2015 PMID: 25741868, with internal and published modifications).

NM_001252.5(CD70):c.196+7C>G

Genes: CD70 (CD70 molecule; minus strand), LOC130063316 (ATAC-STARR-seq lymphoblastoid active region 13846; plus strand). Cytogenetic location: 19p13.3.
Variant type: single nucleotide variant.
Coding change: c.196+7C>G on transcript NM_001252.5 (MANE Select); 7 bases into the intron after coding-DNA position 196, C replaced by G.
Molecular consequence: intron variant.
Genome position (GRCh38, 1-based): chr19:6,590,096, G>C on the plus strand (C>G on the coding strand, the complement: CD70 is on the minus strand). VCF-style: chr19-6590096-G-C. GRCh37 (hg19) VCF-style: chr19-6590107-G-C.
Other names: c.196+7C>G (NM_001330332.2).
Identifiers: ClinVar variation 3043364 (VCV003043364.3), dbSNP rs555945239, ClinGen allele CA9127877.
Genomic context (GRCh38, chr19:6,590,096, plus strand): 5'-TCTACCTCTCCTTCCTTCTCTCTCTGTGCCTCTTCTTCTCCCCGTCCCTCCACGTCCCCC[G>C]TGTTACCTGTGTGATTCAGCTGCAGCTCAGCTACGTCCCACTGGAAGAAAAGACCAGAAA-3'